The following is an entry in ClinVar:

ClinVar aggregate classification (germline): Uncertain significance (1 of 4 stars; one submission).

Submission:

Mayo Clinic Laboratories, Mayo Clinic
Classification: Uncertain significance. Last evaluated: 2025-12-09. Review status: criteria provided, single submitter. Criteria: ACMG Guidelines, 2015. Collection method: clinical testing. Allele origin: germline. Observed: 1 variant allele.
Comment: PP3, PM2_supporting

NM_000236.3(LIPC):c.244C>T (p.Pro82Ser)

Gene: LIPC (lipase C, hepatic type; plus strand). Cytogenetic location: 15q21.3.
Variant type: single nucleotide variant.
Coding change: c.244C>T on transcript NM_000236.3 (MANE Select); coding-DNA position 244, C replaced by T.
Protein change: p.Pro82Ser; replaces proline 82 with serine.
Molecular consequence: missense variant.
Genome position (GRCh38, 1-based): chr15:58,538,488, C>T. VCF-style: chr15-58538488-C-T. GRCh37 (hg19) VCF-style: chr15-58830687-C-T.
Other names: p.Pro82Ser; short protein forms P82S.
Identifiers: ClinVar variation 4541953 (VCV004541953.1).